The following is an entry in ClinVar:

NM_000038.6(APC):c.5792C>A (p.Ser1931Tyr)

Gene: APC (APC regulator of Wnt signaling pathway; plus strand). Cytogenetic location: 5q22.2.
Variant type: single nucleotide variant.
Coding change: c.5792C>A on transcript NM_000038.6 (MANE Select); coding-DNA position 5792, C replaced by A.
Protein change: p.Ser1931Tyr; replaces serine 1931 with tyrosine.
Molecular consequence: missense variant.
Genome position (GRCh38, 1-based): chr5:112,841,386, C>A. VCF-style: chr5-112841386-C-A. GRCh37 (hg19) VCF-style: chr5-112177083-C-A.
Other names: c.5792C>A, p.Ser1931Tyr (NM_001127510.3, NM_001354895.2); c.5738C>A, p.Ser1913Tyr (NM_001127511.3); c.5846C>A, p.Ser1949Tyr (NM_001354896.2); c.5822C>A, p.Ser1941Tyr (NM_001354897.2); c.5717C>A, p.Ser1906Tyr (NM_001354898.2); c.5708C>A, p.Ser1903Tyr (NM_001354899.2); c.5669C>A, p.Ser1890Tyr (NM_001354900.2); c.5615C>A, p.Ser1872Tyr (NM_001354901.2); and 5 more; short protein forms S1913Y, S1931Y, S1648Y, S1805Y, S1872Y, S1941Y, S1949Y, S1840Y.
Identifiers: ClinVar variation 490320 (VCV000490320.17), dbSNP rs1554086993, ClinGen allele CA16034005.
Genomic context (GRCh38, chr5:112,841,386, plus strand): 5'-AAGCTATTGCAAAGCAGCCAATAAATCGAGGTCAGCCTAAACCCATACTTCAGAAACAAT[C>A]CACTTTTCCCCAGTCATCCAAAGACATACCAGACAGAGGGGCAGCAACTGATGAAAAGTT-3'
Protein context (NP_000029.2, residues 1921-1941): GQPKPILQKQ[Ser1931Tyr]TFPQSSKDIP

ClinVar aggregate classification (germline): Uncertain significance. Review status: criteria provided, multiple submitters, no conflicts (2 of 4 stars). 3 submissions from 3 submitters: Uncertain significance (3). Last evaluated 2025-02-25.

Conditions:
Hereditary cancer-predisposing syndrome. Also called: Hereditary Cancer Syndrome; Neoplastic Syndromes, Hereditary; Tumor predisposition; Hereditary neoplastic syndrome. Identifiers: Orphanet 140162, MedGen C0027672, MeSH D009386, MONDO:0015356.
Familial adenomatous polyposis 1 (FAP1). Also called: POLYPOSIS, ADENOMATOUS INTESTINAL; FAMILIAL ADENOMATOUS POLYPOSIS 1, ATTENUATED. Identifiers: MedGen C2713442, MONDO:0021056, OMIM 175100. Disease mechanism: loss of function.

Submissions (3):

Labcorp Genetics (formerly Invitae), Labcorp
Classification: Uncertain significance for Familial adenomatous polyposis 1. Last evaluated: 2025-02-25. Review status: criteria provided, single submitter. Criteria: Invitae Variant Classification Sherloc (09022015). Collection method: clinical testing. Allele origin: germline.
Comment: This sequence change replaces serine, which is neutral and polar, with tyrosine, which is neutral and polar, at codon 1931 of the APC protein (p.Ser1931Tyr). This variant is not present in population databases (gnomAD no frequency). This variant has not been reported in the literature in individuals affected with APC-related conditions. ClinVar contains an entry for this variant (Variation ID: 490320). Invitae Evidence Modeling of protein sequence and biophysical properties (such as structural, functional, and spatial information, amino acid conservation, physicochemical variation, residue mobility, and thermodynamic stability) indicates that this missense variant is not expected to disrupt APC protein function with a negative predictive value of 95%. In summary, the available evidence is currently insufficient to determine the role of this variant in disease. Therefore, it has been classified as a Variant of Uncertain Significance.

Ambry Genetics
Classification: Uncertain significance for Hereditary cancer-predisposing syndrome. Last evaluated: 2024-09-05. Review status: criteria provided, single submitter. Criteria: Ambry Variant Classification Scheme 2023. Collection method: clinical testing. Allele origin: germline.
Comment: The p.S1931Y variant (also known as c.5792C>A), located in coding exon 15 of the APC gene, results from a C to A substitution at nucleotide position 5792. The serine at codon 1931 is replaced by tyrosine, an amino acid with dissimilar properties. This amino acid position is not well conserved in available vertebrate species. In addition, in silico predictors for this gene do not accurately predict pathogenicity. Missense alterations in APC are not a common cause of disease (Spier I et al. Genet Med. 2024 Feb;26(2):100992). Based on the available evidence, the clinical significance of this variant remains unclear.

Color Diagnostics, LLC DBA Color Health
Classification: Uncertain significance for Hereditary cancer-predisposing syndrome. Last evaluated: 2023-12-04. Review status: criteria provided, single submitter. Criteria: ACMG Guidelines, 2015. Collection method: clinical testing. Allele origin: germline.
Comment: This missense variant replaces serine with tyrosine at codon 1931 of the APC protein. Computational prediction suggests that this variant may not impact protein structure and function (internally defined REVEL score threshold <= 0.5, PMID: 27666373). To our knowledge, functional studies have not been reported for this variant. This variant has not been reported in individuals affected with APC-related disorders in the literature. This variant has not been identified in the general population by the Genome Aggregation Database (gnomAD). The available evidence is insufficient to determine the role of this variant in disease conclusively. Therefore, this variant is classified as a Variant of Uncertain Significance.